The following is an entry in ClinVar:

NM_001009925.2(TMEM230):c.295A>G (p.Ile99Val)

Gene: TMEM230 (transmembrane protein 230; minus strand). Cytogenetic location: 20p12.3.
Variant type: single nucleotide variant.
Coding change: c.295A>G on transcript NM_001009925.2 (MANE Select); coding-DNA position 295, A replaced by G.
Protein change: p.Ile99Val; replaces isoleucine 99 with valine.
Molecular consequence: missense variant. On other transcripts: intron variant (1).
Genome position (GRCh38, 1-based): chr20:5,100,859, T>C on the plus strand (A>G on the coding strand, the complement: TMEM230 is on the minus strand). VCF-style: chr20-5100859-T-C. GRCh37 (hg19) VCF-style: chr20-5081505-T-C.
Other names: c.295A>G, p.Ile99Val (NM_001009924.2, NM_001330984.2, NM_001330985.2 and 3 more transcripts); c.222+5329A>G (NM_001330987.2); short protein forms I99V.
Identifiers: ClinVar variation 3616067 (VCV003616067.2).

ClinVar aggregate classification (germline): Uncertain significance (1 of 4 stars; one submission).

gnomAD v4.1: 19 of 1,614,074 alleles (0.0012%); highest among the groups gnomAD compares: Non-Finnish European, 0.0014%; no homozygotes.

Submission:

Labcorp Genetics (formerly Invitae), Labcorp
Classification: Uncertain significance. Last evaluated: 2024-03-12. Review status: criteria provided, single submitter. Criteria: Invitae Variant Classification Sherloc (09022015). Collection method: clinical testing. Allele origin: germline.
Comment: This sequence change replaces isoleucine, which is neutral and non-polar, with valine, which is neutral and non-polar, at codon 162 of the TMEM230 protein (p.Ile162Val). This variant is present in population databases (rs368707598, gnomAD 0.004%). This missense change has been observed in individual(s) with Parkinson's disease (PMID: 27818000). An algorithm developed to predict the effect of missense changes on protein structure and function (PolyPhen-2) suggests that this variant is likely to be tolerated. In summary, the available evidence is currently insufficient to determine the role of this variant in disease. Therefore, it has been classified as a Variant of Uncertain Significance.

Literature cited by the submitters: PubMed 27818000.